The following is an entry in ClinVar:

NM_021076.4(NEFH):c.214T>G (p.Ser72Ala)

Gene: NEFH (neurofilament heavy chain; plus strand). Cytogenetic location: 22q12.2.
Variant type: single nucleotide variant.
Coding change: c.214T>G on transcript NM_021076.4 (MANE Select); coding-DNA position 214, T replaced by G.
Protein change: p.Ser72Ala; replaces serine 72 with alanine.
Molecular consequence: missense variant.
Genome position (GRCh38, 1-based): chr22:29,480,476, T>G. VCF-style: chr22-29480476-T-G. GRCh37 (hg19) VCF-style: chr22-29876465-T-G.
Other names: short protein forms S72A.
Identifiers: ClinVar variation 3023048 (VCV003023048.3), dbSNP rs909410428, ClinGen allele CA323082809.

ClinVar aggregate classification (germline): Uncertain significance (1 of 4 stars; one submission).

Allele frequency attached by ClinVar (database versions not stated): TOPMed 0.00002; gnomAD exomes below 0.00001; gnomAD 0.00001.
gnomAD v4.1: 2 of 1,533,032 alleles (0.00013%); highest among the groups gnomAD compares: Non-Finnish European, 0.00017%; no homozygotes.

Submission:

Labcorp Genetics (formerly Invitae), Labcorp
Classification: Uncertain significance. Last evaluated: 2024-08-11. Review status: criteria provided, single submitter. Criteria: Invitae Variant Classification Sherloc (09022015). Collection method: clinical testing. Allele origin: germline.
Comment: This sequence change replaces serine, which is neutral and polar, with alanine, which is neutral and non-polar, at codon 72 of the NEFH protein (p.Ser72Ala). This variant is not present in population databases (gnomAD no frequency). This variant has not been reported in the literature in individuals affected with NEFH-related conditions. Advanced modeling of protein sequence and biophysical properties (such as structural, functional, and spatial information, amino acid conservation, physicochemical variation, residue mobility, and thermodynamic stability) performed at Invitae indicates that this missense variant is not expected to disrupt NEFH protein function with a negative predictive value of 95%. In summary, the available evidence is currently insufficient to determine the role of this variant in disease. Therefore, it has been classified as a Variant of Uncertain Significance.